The following is an entry in ClinVar:

NM_014714.4(IFT140):c.3518del (p.Lys1173fs)

Gene: IFT140 (intraflagellar transport 140; minus strand). Cytogenetic location: 16p13.3.
Variant type: Deletion.
Coding change: c.3518del on transcript NM_014714.4 (MANE Select); coding-DNA position 3518, one base deleted (A; older notation c.3518delA).
Protein change: p.Lys1173fs; shifts the reading frame from lysine 1173.
Molecular consequence: frameshift variant.
Genome position (GRCh38, 1-based): chr16:1,520,744, T deleted on the plus strand (A on the coding strand, the reverse complement: IFT140 is on the minus strand); the first of 4 consecutive T bases (chr16:1,520,744-1,520,747); deleting any one gives the same sequence. VCF-style (leftmost placement, unchanged base first): chr16-1520743-CT-C. GRCh37 (hg19) VCF-style: chr16-1570744-CT-C.
Other names: short protein forms K1173fs.
Identifiers: ClinVar variation 3640051 (VCV003640051.2).
Genomic context (GRCh38, chr16:1,520,743, plus strand): 5'-CTCCAGCAGCTCCCGCCGCGACTCCTCAGGCAGGTCCGAGGAGTCCTTGGCCACGGTCAT[CT>C]TTTCCGCCATCTCCTCGGTGATGCTCATGTTCTGCCCCAGGCACAGCTGCAGGGCTTCCT-3'

ClinVar aggregate classification (germline): Pathogenic (1 of 4 stars; one submission).

Conditions:
Saldino-Mainzer syndrome (SRTD9). Also called: CONORENAL SYNDROME; SHORT-RIB THORACIC DYSPLASIA 9 WITHOUT POLYDACTYLY; Renal dysplasia, retinal pigmentary dystrophy, cerebellar ataxia and skeletal dysplasia; short-rib thoracic dysplasia 9 with or without polydactyly. Identifiers: Orphanet 140969, MedGen C1849437, MONDO:0009964, OMIM 266920.

Submission:

Labcorp Genetics (formerly Invitae), Labcorp
Classification: Pathogenic for Saldino-Mainzer syndrome. Last evaluated: 2025-04-17. Review status: criteria provided, single submitter. Criteria: Invitae Variant Classification Sherloc (09022015). Collection method: clinical testing. Allele origin: germline.
Comment: This sequence change creates a premature translational stop signal (p.Lys1173Argfs*2) in the IFT140 gene. It is expected to result in an absent or disrupted protein product. Loss-of-function variants in IFT140 are known to be pathogenic (PMID: 22503633, 23418020, 24009529, 26216056). This variant is not present in population databases (gnomAD no frequency). This variant has not been reported in the literature in individuals affected with IFT140-related conditions. ClinVar contains an entry for this variant (Variation ID: 3640051). For these reasons, this variant has been classified as Pathogenic.

Literature cited by the submitters: PubMed 22503633; PubMed 23418020; PubMed 24009529; PubMed 26216056.